The following is an entry in ClinVar:

ClinVar aggregate classification (germline): Pathogenic (1 of 4 stars; one submission).

Conditions:
Bardet-Biedl syndrome (BBS). Identifiers: Orphanet 110, MedGen C0752166, MONDO:0015229.

Submission:

Labcorp Genetics (formerly Invitae), Labcorp
Classification: Pathogenic for Bardet-Biedl syndrome. Last evaluated: 2023-10-06. Review status: criteria provided, single submitter. Criteria: Invitae Variant Classification Sherloc (09022015). Collection method: clinical testing. Allele origin: germline.
Comment: This sequence change creates a premature translational stop signal (p.Asp134*) in the BBS7 gene. It is expected to result in an absent or disrupted protein product. Loss-of-function variants in BBS7 are known to be pathogenic (PMID: 12567324, 19402160, 21209035, 31196119). This variant is not present in population databases (gnomAD no frequency). This variant has not been reported in the literature in individuals affected with BBS7-related conditions. For these reasons, this variant has been classified as Pathogenic.

Literature cited by the submitters: PubMed 12567324; PubMed 19402160; PubMed 21209035; PubMed 31196119.

NM_176824.3(BBS7):c.399dup (p.Asp134Ter)

Gene: BBS7 (Bardet-Biedl syndrome 7; minus strand). Cytogenetic location: 4q27.
Variant type: Duplication.
Coding change: c.399dup on transcript NM_176824.3 (MANE Select); coding-DNA position 399, one base duplicated (T; older notation c.399dupT).
Protein change: p.Asp134Ter; replaces aspartic acid 134 with a stop codon.
Molecular consequence: nonsense.
Genome position (GRCh38, 1-based): chr4:121,859,121, A duplicated on the plus strand (T on the coding strand, the reverse complement: BBS7 is on the minus strand). VCF-style (leftmost placement, unchanged base first): chr4-121859120-C-CA. GRCh37 (hg19) VCF-style: chr4-122780275-C-CA.
Other names: c.399dup, p.Asp134Ter (NM_018190.4); short protein forms D134*.
Identifiers: ClinVar variation 2766278 (VCV002766278.3), dbSNP rs2476548784, ClinGen allele CA2697546890.